The following is an entry in ClinVar:

ClinVar aggregate classification (germline): Pathogenic. Review status: criteria provided, multiple submitters, no conflicts (2 of 4 stars). 7 submissions from 7 submitters: Pathogenic (7). Last evaluated 2026-02-11.

Conditions:
Frontotemporal dementia and/or amyotrophic lateral sclerosis 8. Identifiers: MedGen C5436881, MONDO:0030872, OMIM 619132.
Multiple monogenic benign skin tumours.
CYLD-related disorder. Also called: CYLD-related condition.
SLC35A2-congenital disorder of glycosylation. Also called: DEVELOPMENTAL AND EPILEPTIC ENCEPHALOPATHY 22; SLC35A2-CDG; EPILEPTIC ENCEPHALOPATHY, EARLY INFANTILE, 22; CONGENITAL DISORDER OF GLYCOSYLATION, TYPE IIm; CDG IIm; CONGENITAL DISORDER OF GLYCOSYLATION, TYPE IIm, SOMATIC MOSAIC. Identifiers: Orphanet 356961, MedGen C3806688, MONDO:0010478, OMIM 300896.
Familial cylindromatosis. Also called: Turban tumor syndrome; ANCELL-SPIEGLER CYLINDROMAS. Identifiers: Orphanet 211, Orphanet 79493, MedGen C1851526, MONDO:0007565, OMIM 132700.
Brooke-Spiegler syndrome. Also called: CYLD Cutaneous Syndrome. Identifiers: Orphanet 79493, MedGen C1857941, MONDO:0011512, OMIM 605041.

Allele frequency attached by ClinVar (database versions not stated): gnomAD exomes below 0.00001; TOPMed below 0.00001; gnomAD 0.00001.

Submissions (7):

Genetics Laboratory, Great Ormond Street Hospital NHS Foundation Trust, North Thames Genomic Laboratory Hub
Classification: Pathogenic for Multiple monogenic benign skin tumours. Last evaluated: 2026-02-11. Review status: criteria provided, single submitter. Criteria: ACGS Best Practice Guidelines for Variant Classification in Rare Disease 2024 v1.2. Collection method: clinical testing. Allele origin: germline. Affected: yes.
Comment: PS4_supporting, PM2_supporting, PVS1_very-strong

Labcorp Genetics (formerly Invitae), Labcorp
Classification: Pathogenic. Last evaluated: 2026-01-13. Review status: criteria provided, single submitter. Criteria: Invitae Variant Classification Sherloc (09022015). Collection method: clinical testing. Allele origin: germline.
Comment: This sequence change creates a premature translational stop signal (p.Lys767*) in the CYLD gene. It is expected to result in an absent or disrupted protein product. Loss-of-function variants in CYLD are known to be pathogenic (PMID: 19462465). This variant is present in population databases (no rsID available, gnomAD 0.007%). This premature translational stop signal has been observed in individual(s) with CYLD-related conditions (PMID: 20502185, 23249834). ClinVar contains an entry for this variant (Variation ID: 267249). For these reasons, this variant has been classified as Pathogenic.

Genomic Medicine Center of Excellence, King Faisal Specialist Hospital and Research Centre
Classification: Pathogenic for SLC35A2-congenital disorder of glycosylation. Last evaluated: 2025-09-10. Review status: criteria provided, single submitter. Criteria: ACMG Guidelines, 2015. Collection method: clinical testing. Allele origin: germline.

Baylor Genetics
Classification: Pathogenic for Frontotemporal dementia and/or amyotrophic lateral sclerosis 8. Last evaluated: 2022-05-31. Review status: criteria provided, single submitter. Criteria: ACMG Guidelines, 2015. Collection method: clinical testing. Allele origin: unknown.

Genetics and Molecular Pathology, SA Pathology
Classification: Pathogenic for Brooke-Spiegler syndrome. Last evaluated: 2021-03-16. Review status: criteria provided, single submitter. Criteria: ACMG Guidelines, 2015. Collection method: clinical testing. Allele origin: germline. Inheritance: Autosomal dominant inheritance. Affected: yes.

Blueprint Genetics
Classification: Pathogenic for CYLD-related disorders. Last evaluated: 2019-09-10. Review status: criteria provided, single submitter. Criteria: ACMG Guidelines, 2015. Collection method: clinical testing. Allele origin: germline. Affected: yes. Observed: 1 variant allele.

Genomic Diagnostic Laboratory, Division of Genomic Diagnostics, Children's Hospital of Philadelphia
Classification: Pathogenic for Cylindromatosis, familial. Last evaluated: 2016-09-23. Review status: criteria provided, single submitter. Criteria: DGD Variant Analysis Guidelines. Collection method: clinical testing. Allele origin: germline. Affected: yes. Observed: 2 variant alleles.
Comment: Clinical Testing

Literature cited by the submitters: PubMed 19462465 (cited by Labcorp Genetics (formerly Invitae), Labcorp); PubMed 20502185 (cited by Labcorp Genetics (formerly Invitae), Labcorp); PubMed 23249834 (cited by Labcorp Genetics (formerly Invitae), Labcorp).

NM_001378743.1(CYLD):c.2299A>T (p.Lys767Ter)

Genes: CYLD (CYLD lysine 63 deubiquitinase; plus strand), CYLD-AS2 (CYLD antisense RNA 2; minus strand). Cytogenetic location: 16q12.1.
Variant type: single nucleotide variant.
Coding change: c.2299A>T on transcript NM_001378743.1 (MANE Select); coding-DNA position 2299, A replaced by T.
Protein change: p.Lys767Ter; replaces lysine 767 with a stop codon.
Molecular consequence: nonsense. On other transcripts: non-coding transcript variant (1).
Genome position (GRCh38, 1-based): chr16:50,792,654, A>T. VCF-style: chr16-50792654-A-T. GRCh37 (hg19) VCF-style: chr16-50826565-A-T.
Other names: c.2290A>T, p.Lys764Ter (NM_001042355.2, NM_001042412.3, NM_001378744.1 and 6 more transcripts); c.2260A>T, p.Lys754Ter (NM_001378751.1, NM_001378752.1, NM_001378753.1); c.1624A>T, p.Lys542Ter (NM_001378754.1, NM_001378755.1); c.2299A>T, p.Lys767Ter (NM_015247.3); short protein forms K767*, K764*, K542*, K754*.
Identifiers: ClinVar variation 267249 (VCV000267249.8), dbSNP rs886040888, ClinGen allele CA10590086.